The following is an entry in ClinVar:

ClinVar aggregate classification (germline): Uncertain significance (1 of 4 stars; one submission).

Allele frequency attached by ClinVar (database versions not stated): gnomAD exomes below 0.00001.
gnomAD v4.1: 1 of 1,612,862 alleles (0.000062%); highest among the groups gnomAD compares: African/African-American, 0.0013%; no homozygotes.

Submission:

Labcorp Genetics (formerly Invitae), Labcorp
Classification: Uncertain significance. Last evaluated: 2024-01-04. Review status: criteria provided, single submitter. Criteria: Invitae Variant Classification Sherloc (09022015). Collection method: clinical testing. Allele origin: germline.
Comment: This sequence change replaces glutamine, which is neutral and polar, with arginine, which is basic and polar, at codon 1533 of the TUBGCP6 protein (p.Gln1533Arg). This variant is not present in population databases (gnomAD no frequency). This variant has not been reported in the literature in individuals affected with TUBGCP6-related conditions. An algorithm developed to predict the effect of missense changes on protein structure and function (PolyPhen-2) suggests that this variant is likely to be disruptive. In summary, the available evidence is currently insufficient to determine the role of this variant in disease. Therefore, it has been classified as a Variant of Uncertain Significance.

NM_020461.4(TUBGCP6):c.4598A>G (p.Gln1533Arg)

Gene: TUBGCP6 (tubulin gamma complex component 6; minus strand). Cytogenetic location: 22q13.33.
Variant type: single nucleotide variant.
Coding change: c.4598A>G on transcript NM_020461.4 (MANE Select); coding-DNA position 4598, A replaced by G.
Protein change: p.Gln1533Arg; replaces glutamine 1533 with arginine.
Molecular consequence: missense variant.
Genome position (GRCh38, 1-based): chr22:50,219,096, T>C on the plus strand (A>G on the coding strand, the complement: TUBGCP6 is on the minus strand). VCF-style: chr22-50219096-T-C. GRCh37 (hg19) VCF-style: chr22-50657525-T-C.
Other names: short protein forms Q1533R.
Identifiers: ClinVar variation 2805294 (VCV002805294.3), dbSNP rs2519124490, ClinGen allele CA412169733.